The following is an entry in ClinVar:

ClinVar aggregate classification (germline): Uncertain significance (1 of 4 stars; one submission).

Conditions:
Inborn genetic diseases. Identifiers: MedGen C0950123, MeSH D030342.

Submission:

Ambry Genetics
Classification: Uncertain significance for Inborn genetic diseases. Last evaluated: 2025-07-03. Review status: criteria provided, single submitter. Criteria: Ambry Variant Classification Scheme 2023. Collection method: clinical testing. Allele origin: germline.
Comment: The p.F1054L variant (also known as c.3160T>C), located in coding exon 1 of the SAMD9 gene, results from a T to C substitution at nucleotide position 3160. The phenylalanine at codon 1054 is replaced by leucine, an amino acid with highly similar properties. This amino acid position is conserved. In addition, this alteration is predicted to be tolerated by in silico analysis. Based on the available evidence, the clinical significance of this variant remains unclear.

NM_017654.4(SAMD9):c.3160T>C (p.Phe1054Leu)

Gene: SAMD9 (sterile alpha motif domain containing 9; minus strand). Cytogenetic location: 7q21.2.
Variant type: single nucleotide variant.
Coding change: c.3160T>C on transcript NM_017654.4 (MANE Select); coding-DNA position 3160, T replaced by C.
Protein change: p.Phe1054Leu; replaces phenylalanine 1054 with leucine.
Molecular consequence: missense variant.
Genome position (GRCh38, 1-based): chr7:93,102,938, A>G on the plus strand (T>C on the coding strand, the complement: SAMD9 is on the minus strand). VCF-style: chr7-93102938-A-G. GRCh37 (hg19) VCF-style: chr7-92732251-A-G.
Other names: c.3160T>C, p.Phe1054Leu (NM_001193307.2); short protein forms F1054L.
Identifiers: ClinVar variation 4159057 (VCV004159057.1).